The following is an entry in ClinVar:

ClinVar aggregate classification (germline): Uncertain significance (1 of 4 stars; one submission).

Submission:

Labcorp Genetics (formerly Invitae), Labcorp
Classification: Uncertain significance. Last evaluated: 2023-08-10. Review status: criteria provided, single submitter. Criteria: Invitae Variant Classification Sherloc (09022015). Collection method: clinical testing. Allele origin: germline.
Comment: This sequence change replaces lysine, which is basic and polar, with arginine, which is basic and polar, at codon 191 of the KIF11 protein (p.Lys191Arg). In summary, the available evidence is currently insufficient to determine the role of this variant in disease. Therefore, it has been classified as a Variant of Uncertain Significance. An algorithm developed to predict the effect of missense changes on protein structure and function (PolyPhen-2) suggests that this variant is likely to be disruptive. ClinVar contains an entry for this variant (Variation ID: 1920246). This variant has not been reported in the literature in individuals affected with KIF11-related conditions. This variant is not present in population databases (gnomAD no frequency).

NM_004523.4(KIF11):c.572A>G (p.Lys191Arg)

Gene: KIF11 (kinesin family member 11; plus strand). Cytogenetic location: 10q23.33.
Variant type: single nucleotide variant.
Coding change: c.572A>G on transcript NM_004523.4 (MANE Select); coding-DNA position 572, A replaced by G.
Protein change: p.Lys191Arg; replaces lysine 191 with arginine.
Molecular consequence: missense variant.
Genome position (GRCh38, 1-based): chr10:92,609,204, A>G. VCF-style: chr10-92609204-A-G. GRCh37 (hg19) VCF-style: chr10-94368961-A-G.
Other names: short protein forms K191R.
Identifiers: ClinVar variation 1920246 (VCV001920246.5), dbSNP rs2492481066, ClinGen allele CA377589642.